The following is an entry in ClinVar:

ClinVar aggregate classification (germline): Uncertain significance (1 of 4 stars; one submission).

Allele frequency attached by ClinVar (database versions not stated): gnomAD exomes below 0.00001.
gnomAD v4.1: 3 of 1,614,178 alleles (0.00019%); highest among the groups gnomAD compares: Admixed American, 0.0033%; no homozygotes.

Submission:

Labcorp Genetics (formerly Invitae), Labcorp
Classification: Uncertain significance. Last evaluated: 2022-07-26. Review status: criteria provided, single submitter. Criteria: Invitae Variant Classification Sherloc (09022015). Collection method: clinical testing. Allele origin: germline.
Comment: In summary, the available evidence is currently insufficient to determine the role of this variant in disease. Therefore, it has been classified as a Variant of Uncertain Significance. Experimental studies and prediction algorithms are not available or were not evaluated, and the functional significance of this variant is currently unknown. ClinVar contains an entry for this variant (Variation ID: 1476272). This variant has not been reported in the literature in individuals affected with MAP3K20-related conditions. This variant is present in population databases (no rsID available, gnomAD 0.006%). This sequence change replaces lysine, which is basic and polar, with arginine, which is basic and polar, at codon 699 of the MAP3K20 protein (p.Lys699Arg).

NM_016653.3(MAP3K20):c.2096A>G (p.Lys699Arg)

Genes: MAP3K20 (mitogen-activated protein kinase kinase kinase 20; plus strand), MAP3K20-AS1 (MAP3K20 antisense RNA 1; minus strand). Cytogenetic location: 2q31.1.
Variant type: single nucleotide variant.
Coding change: c.2096A>G on transcript NM_016653.3 (MANE Select); coding-DNA position 2096, A replaced by G.
Protein change: p.Lys699Arg; replaces lysine 699 with arginine.
Molecular consequence: missense variant.
Genome position (GRCh38, 1-based): chr2:173,266,443, A>G. VCF-style: chr2-173266443-A-G. GRCh37 (hg19) VCF-style: chr2-174131171-A-G.
Other names: short protein forms K699R.
Identifiers: ClinVar variation 1476272 (VCV001476272.6), dbSNP rs1156768110, ClinGen allele CA349317793.